The following is an entry in ClinVar:

ClinVar aggregate classification (germline): Conflicting classifications of pathogenicity. Review status: criteria provided, conflicting classifications (1 of 4 stars). 4 submissions from 4 submitters: Uncertain significance (1); Likely benign (2). 1 of the submissions does not count toward it. Last evaluated 2026-07-28.

Conditions:
TRIOBP-related disorder. Also called: TRIOBP-related condition.

Allele frequency attached by ClinVar (database versions not stated): gnomAD exomes 0.00004 and 0.00009; 1000 Genomes Project 30x 0.00016; ESP Exome Variant Server 0.00017; TOPMed 0.00020; ExAC 0.00023; gnomAD 0.00028 and 0.00030.
gnomAD v4.1: 95 of 1,560,616 alleles (0.0061%); highest among the groups gnomAD compares: African/African-American, 0.077%; no homozygotes.

Submissions (4):

GeneDx
Classification: Uncertain significance. Last evaluated: 2026-07-28. Review status: criteria provided, single submitter. Criteria: GeneDx Variant Classification Process June 2021. Collection method: clinical testing. Allele origin: germline.
Comment: In silico analysis suggests that this variant does not alter splicing; Has not been previously published as pathogenic or benign to our knowledge

Blueprint Genetics
Classification: Likely benign. Last evaluated: 2023-10-13. Review status: criteria provided, single submitter. Criteria: ACMG Guidelines, 2015. Collection method: clinical testing. Allele origin: germline.

Labcorp Genetics (formerly Invitae), Labcorp
Classification: Likely benign. Last evaluated: 2022-10-25. Review status: criteria provided, single submitter. Criteria: Invitae Variant Classification Sherloc (09022015). Collection method: clinical testing. Allele origin: germline.

PreventionGenetics, part of Exact Sciences
Classification: Likely benign for TRIOBP-related condition. Last evaluated: 2019-12-05. Review status: no assertion criteria provided. Collection method: clinical testing. Allele origin: germline. Not counted in ClinVar's aggregate classification.
Comment: This variant is classified as likely benign based on ACMG/AMP sequence variant interpretation guidelines (Richards et al. 2015 PMID: 25741868, with internal and published modifications).

NM_001039141.3(TRIOBP):c.5274G>A (p.Thr1758=)

Gene: TRIOBP (TRIO and F-actin binding protein; plus strand). Cytogenetic location: 22q13.1.
Variant type: single nucleotide variant.
Coding change: c.5274G>A on transcript NM_001039141.3 (MANE Select); coding-DNA position 5274, G replaced by A.
Protein change: p.Thr1758=; no amino-acid change (threonine 1758 retained).
Molecular consequence: synonymous variant.
Genome position (GRCh38, 1-based): chr22:37,740,984, G>A. VCF-style: chr22-37740984-G-A. GRCh37 (hg19) VCF-style: chr22-38136991-G-A.
Identifiers: ClinVar variation 1254135 (VCV001254135.11), dbSNP rs370386947, ClinGen allele CA10224559.